The following is an entry in ClinVar:

NM_000340.2(SLC2A2):c.1463A>G (p.Lys488Arg)

Gene: SLC2A2 (solute carrier family 2 member 2; minus strand). Cytogenetic location: 3q26.2.
Variant type: single nucleotide variant.
Coding change: c.1463A>G on transcript NM_000340.2 (MANE Select); coding-DNA position 1463, A replaced by G.
Protein change: p.Lys488Arg; replaces lysine 488 with arginine.
Molecular consequence: missense variant.
Genome position (GRCh38, 1-based): chr3:170,998,015, T>C on the plus strand (A>G on the coding strand, the complement: SLC2A2 is on the minus strand). VCF-style: chr3-170998015-T-C. GRCh37 (hg19) VCF-style: chr3-170715804-T-C.
Other names: c.1106A>G, p.Lys369Arg (NM_001278658.2); c.944A>G, p.Lys315Arg (NM_001278659.2); short protein forms K488R, K369R, K315R.
Identifiers: ClinVar variation 1438961 (VCV001438961.8), dbSNP rs777806589, ClinGen allele CA2702395.
Genomic context (GRCh38, chr3:170,998,015, plus strand): 5'-CTGTGGGCTGAGCCACTCTTCTTTTGGAATTCTGCAGCAATTTCCTCAAAAGACTTTCCT[T>C]TGGTTTCTGGAACTTTAAAAAATGTGAACAGGGTAAAGGCCAGGAGCACTCCAGCAAAGA-3'
Protein context (NP_000331.1, residues 478-498): LFTFFKVPET[Lys488Arg]GKSFEEIAAE

ClinVar aggregate classification (germline): Uncertain significance (1 of 4 stars; one submission).

Conditions:
Fanconi-Bickel syndrome (FBS). Also called: FANCONI SYNDROME WITH INTESTINAL MALABSORPTION AND GALACTOSE INTOLERANCE; HEPATIC GLYCOGENOSIS WITH AMINO ACIDURIA AND GLUCOSURIA; HEPATIC GLYCOGENOSIS WITH FANCONI NEPHROPATHY; HEPATORENAL GLYCOGENOSIS WITH RENAL FANCONI SYNDROME; Glycogen storage disease due to GLUT2 deficiency; PSEUDO-PHLORIZIN DIABETES. Identifiers: Orphanet 2088, MedGen C3495427, MONDO:0009216, OMIM 227810.

Allele frequency attached by ClinVar (database versions not stated): gnomAD exomes below 0.00001 and 0.00001; ExAC 0.00001; gnomAD 0.00001.

Submission:

Labcorp Genetics (formerly Invitae), Labcorp
Classification: Uncertain significance for Fanconi-Bickel syndrome. Last evaluated: 2021-04-27. Review status: criteria provided, single submitter. Criteria: Invitae Variant Classification Sherloc (09022015). Collection method: clinical testing. Allele origin: germline.
Comment: In summary, the available evidence is currently insufficient to determine the role of this variant in disease. Therefore, it has been classified as a Variant of Uncertain Significance. Advanced modeling of protein sequence and biophysical properties (such as structural, functional, and spatial information, amino acid conservation, physicochemical variation, residue mobility, and thermodynamic stability) performed at Invitae indicates that this missense variant is not expected to disrupt SLC2A2 protein function. This variant has not been reported in the literature in individuals with SLC2A2-related conditions. This variant is present in population databases (rs777806589, ExAC 0.002%). This sequence change replaces lysine with arginine at codon 488 of the SLC2A2 protein (p.Lys488Arg). The lysine residue is highly conserved and there is a small physicochemical difference between lysine and arginine.